The following is an entry in ClinVar:

NM_003476.5(CSRP3):c.437G>T (p.Arg146Leu)

Gene: CSRP3 (cysteine and glycine rich protein 3; minus strand). Cytogenetic location: 11p15.1.
Variant type: single nucleotide variant.
Coding change: c.437G>T on transcript NM_003476.5 (MANE Select); coding-DNA position 437, G replaced by T.
Protein change: p.Arg146Leu; replaces arginine 146 with leucine.
Molecular consequence: missense variant.
Genome position (GRCh38, 1-based): chr11:19,185,023, C>A on the plus strand (G>T on the coding strand, the complement: CSRP3 is on the minus strand). VCF-style: chr11-19185023-C-A. GRCh37 (hg19) VCF-style: chr11-19206570-C-A.
Other names: c.437G>T, p.Arg146Leu (NM_001127656.1); c.268G>T, p.Ala90Ser (NM_001369404.1); short protein forms A90S, R146L.
Identifiers: ClinVar variation 2167783 (VCV002167783.7), dbSNP rs377066670, ClinGen allele CA218632634.

ClinVar aggregate classification (germline): Uncertain significance. Review status: criteria provided, multiple submitters, no conflicts (2 of 4 stars). 3 submissions from 3 submitters: Uncertain significance (3). Last evaluated 2025-12-28.

Conditions:
Cardiovascular phenotype. Identifiers: MedGen CN230736.
Hypertrophic cardiomyopathy 12. Identifiers: MedGen C2677491, MONDO:0012804, OMIM 612124.
Dilated cardiomyopathy 1M (CMD1M). Identifiers: Orphanet 154, MedGen C1843808, MONDO:0011840, OMIM 607482.

gnomAD v4.1: 8 of 1,614,156 alleles (0.0005%); highest among the groups gnomAD compares: South Asian, 0.0011%; no homozygotes.

Submissions (3):

Labcorp Genetics (formerly Invitae), Labcorp
Classification: Uncertain significance for Hypertrophic cardiomyopathy 12; Dilated cardiomyopathy 1M. Last evaluated: 2025-12-28. Review status: criteria provided, single submitter. Criteria: Invitae Variant Classification Sherloc (09022015). Collection method: clinical testing. Allele origin: germline.
Comment: This sequence change replaces arginine, which is basic and polar, with leucine, which is neutral and non-polar, at codon 146 of the CSRP3 protein (p.Arg146Leu). This variant is not present in population databases (gnomAD no frequency). This variant has not been reported in the literature in individuals affected with CSRP3-related conditions. ClinVar contains an entry for this variant (Variation ID: 2167783). An algorithm developed to predict the effect of missense changes on protein structure and function (PolyPhen-2) suggests that this variant is likely to be disruptive. In summary, the available evidence is currently insufficient to determine the role of this variant in disease. Therefore, it has been classified as a Variant of Uncertain Significance.

Blueprint Genetics
Classification: Uncertain significance. Last evaluated: 2024-10-18. Review status: criteria provided, single submitter. Criteria: ACMG Guidelines, 2015. Collection method: clinical testing. Allele origin: germline.

Ambry Genetics
Classification: Uncertain significance for Cardiovascular phenotype. Last evaluated: 2024-10-08. Review status: criteria provided, single submitter. Criteria: Ambry Variant Classification Scheme 2023. Collection method: clinical testing. Allele origin: germline.